The following is an entry in ClinVar:

ClinVar aggregate classification (germline): Uncertain significance (1 of 4 stars; one submission).

Conditions:
Joubert syndrome 21 (JBTS21). Identifiers: MedGen C3810212, MONDO:0014288, OMIM 615636.

Allele frequency attached by ClinVar (database versions not stated): TOPMed below 0.00001; ExAC 0.00001.
gnomAD v4.1: 1 of 1,610,698 alleles (0.000062%); highest among the groups gnomAD compares: Non-Finnish European, 0.000085%; no homozygotes.

Submission:

Labcorp Genetics (formerly Invitae), Labcorp
Classification: Uncertain significance for Joubert syndrome 21. Last evaluated: 2022-08-16. Review status: criteria provided, single submitter. Criteria: Invitae Variant Classification Sherloc (09022015). Collection method: clinical testing. Allele origin: germline.
Comment: In summary, the available evidence is currently insufficient to determine the role of this variant in disease. Therefore, it has been classified as a Variant of Uncertain Significance. Algorithms developed to predict the effect of sequence changes on RNA splicing suggest that this variant may create or strengthen a splice site. Algorithms developed to predict the effect of missense changes on protein structure and function output the following: SIFT: "Tolerated"; PolyPhen-2: "Benign"; Align-GVGD: "Class C0". The valine amino acid residue is found in multiple mammalian species, which suggests that this missense change does not adversely affect protein function. This variant has not been reported in the literature in individuals affected with CSPP1-related conditions. This variant is present in population databases (rs770731363, gnomAD 0.0009%). This sequence change replaces methionine, which is neutral and non-polar, with valine, which is neutral and non-polar, at codon 843 of the CSPP1 protein (p.Met843Val).

NM_001382391.1(CSPP1):c.2542A>G (p.Met848Val)

Gene: CSPP1 (centrosome and spindle pole associated protein 1; plus strand). Cytogenetic location: 8q13.2.
Variant type: single nucleotide variant.
Coding change: c.2542A>G on transcript NM_001382391.1 (MANE Select); coding-DNA position 2542, A replaced by G.
Protein change: p.Met848Val; replaces methionine 848 with valine.
Molecular consequence: missense variant.
Genome position (GRCh38, 1-based): chr8:67,161,814, A>G. VCF-style: chr8-67161814-A-G. GRCh37 (hg19) VCF-style: chr8-68074049-A-G.
Other names: c.1492A>G, p.Met498Val (NM_001291339.2); c.2461A>G, p.Met821Val (NM_001363131.2); c.2347A>G, p.Met783Val (NM_001363132.2); c.2266A>G, p.Met756Val (NM_001363133.2); c.2608A>G, p.Met870Val (NM_001364869.1); c.2428A>G, p.Met810Val (NM_001364870.1); c.2527A>G, p.Met843Val (NM_024790.7); short protein forms M783V, M843V, M870V, M498V, M810V, M848V, M756V, M821V.
Identifiers: ClinVar variation 2189620 (VCV002189620.4), dbSNP rs770731363, ClinGen allele CA4770874.